The following is an entry in ClinVar:

NM_001242896.3(DEPDC5):c.4586A>G (p.Asn1529Ser)

Gene: DEPDC5 (DEP domain containing 5, GATOR1 subcomplex subunit; plus strand). Cytogenetic location: 22q12.3.
Variant type: single nucleotide variant.
Coding change: c.4586A>G on transcript NM_001242896.3 (MANE Select); coding-DNA position 4586, A replaced by G.
Protein change: p.Asn1529Ser; replaces asparagine 1529 with serine.
Molecular consequence: missense variant. On other transcripts: non-coding transcript variant (5).
Genome position (GRCh38, 1-based): chr22:31,906,271, A>G. VCF-style: chr22-31906271-A-G. GRCh37 (hg19) VCF-style: chr22-32302257-A-G.
Other names: c.4559A>G, p.Asn1520Ser (NM_001136029.4); c.4286A>G, p.Asn1429Ser (NM_001242897.2); c.4520A>G, p.Asn1507Ser (NM_001363852.2, NM_001364320.2); c.4352A>G, p.Asn1451Ser (NM_001363854.2, NM_001364319.2); c.4586A>G, p.Asn1529Ser (NM_001364318.2); c.4502A>G, p.Asn1501Ser (NM_001369901.1, NM_001369902.1); c.4493A>G, p.Asn1498Ser (NM_001369903.1, NM_014662.6); short protein forms N1429S, N1451S, N1498S, N1501S, N1507S, N1520S, N1529S.
Identifiers: ClinVar variation 1014356 (VCV001014356.8), dbSNP rs773450879, ClinGen allele CA323356361.
Genomic context (GRCh38, chr22:31,906,271, plus strand): 5'-TGTTTCTGCAGCTGCCCTACTCCAAGCGCAAGTTCTCAGGGCAGCAGCGGCGGCGGCGGA[A>G]CTCCACCAGCTCCACCAACCAGAACATGTTCTGCGAGGAGCGGGTCGGCTACAACTGGGC-3'
Protein context (NP_001229825.1, residues 1519-1539): KFSGQQRRRR[Asn1529Ser]STSSTNQNMF

ClinVar aggregate classification (germline): Uncertain significance (1 of 4 stars; one submission).

Conditions:
Familial focal epilepsy with variable foci (FPEVF). Identifiers: Orphanet 98820, MedGen C1858477, MONDO:0020310.

Allele frequency attached by ClinVar (database versions not stated): gnomAD exomes below 0.00001; TOPMed below 0.00001.
gnomAD v4.1: 5 of 1,613,642 alleles (0.00031%); highest among the groups gnomAD compares: Non-Finnish European, 0.00034%; no homozygotes.

Submission:

Labcorp Genetics (formerly Invitae), Labcorp
Classification: Uncertain significance for Familial focal epilepsy with variable foci. Last evaluated: 2020-10-03. Review status: criteria provided, single submitter. Criteria: Invitae Variant Classification Sherloc (09022015). Collection method: clinical testing. Allele origin: germline.
Comment: This sequence change replaces asparagine with serine at codon 1529 of the DEPDC5 protein (p.Asn1529Ser). The asparagine residue is highly conserved and there is a small physicochemical difference between asparagine and serine. This variant is not present in population databases (ExAC no frequency). This variant has not been reported in the literature in individuals with DEPDC5-related conditions. Algorithms developed to predict the effect of missense changes on protein structure and function are either unavailable or do not agree on the potential impact of this missense change (SIFT: "Deleterious"; PolyPhen-2: "Not Available"; Align-GVGD: "Class C0"). In summary, the available evidence is currently insufficient to determine the role of this variant in disease. Therefore, it has been classified as a Variant of Uncertain Significance.